The following is an entry in ClinVar:

NM_000484.4(APP):c.732T>A (p.Asp244Glu)

Gene: APP (amyloid beta precursor protein; minus strand). Cytogenetic location: 21q21.3.
Variant type: single nucleotide variant.
Coding change: c.732T>A on transcript NM_000484.4 (MANE Select); coding-DNA position 732, T replaced by A.
Protein change: p.Asp244Glu; replaces aspartic acid 244 with glutamic acid.
Molecular consequence: missense variant.
Genome position (GRCh38, 1-based): chr21:26,021,973, A>T on the plus strand (T>A on the coding strand, the complement: APP is on the minus strand). VCF-style: chr21-26021973-A-T. GRCh37 (hg19) VCF-style: chr21-27394289-A-T.
Other names: c.717T>A, p.Asp239Glu (NM_001136016.3); c.564T>A, p.Asp188Glu (NM_001136129.3, NM_001136130.3); c.627T>A, p.Asp209Glu (NM_001136131.3); c.732T>A, p.Asp244Glu (NM_001204301.2, NM_001204302.2, NM_001204303.2 and 3 more transcripts); short protein forms D188E, D244E, D209E, D239E.
Identifiers: ClinVar variation 1472472 (VCV001472472.8), dbSNP rs2146780434, ClinGen allele CA409862284.

ClinVar aggregate classification (germline): Uncertain significance (1 of 4 stars; one submission).

Conditions:
Alzheimer disease. Also called: Alzheimer's disease; Presenile and senile dementia. Identifiers: Orphanet 1020, MedGen C0002395, MeSH D000544, MONDO:0004975, HP:0002511.

Submission:

Labcorp Genetics (formerly Invitae), Labcorp
Classification: Uncertain significance for Alzheimer disease. Last evaluated: 2021-12-02. Review status: criteria provided, single submitter. Criteria: Invitae Variant Classification Sherloc (09022015). Collection method: clinical testing. Allele origin: germline.
Comment: This sequence change replaces aspartic acid, which is acidic and polar, with glutamic acid, which is acidic and polar, at codon 244 of the APP protein (p.Asp244Glu). This variant is not present in population databases (gnomAD no frequency). In summary, the available evidence is currently insufficient to determine the role of this variant in disease. Therefore, it has been classified as a Variant of Uncertain Significance. Algorithms developed to predict the effect of missense changes on protein structure and function output the following: SIFT: "Deleterious"; PolyPhen-2: "Not Available"; Align-GVGD: "Class C35". The glutamic acid amino acid residue is found in multiple mammalian species, which suggests that this missense change does not adversely affect protein function. This variant has not been reported in the literature in individuals affected with APP-related conditions.